The following is an entry in ClinVar:

NM_015443.4(KANSL1):c.158C>G (p.Ala53Gly)

Gene: KANSL1 (KAT8 regulatory NSL complex subunit 1). Cytogenetic location: 17q21.31.
Variant type: single nucleotide variant.
Coding change: c.158C>G on transcript NM_015443.4 (MANE Select); coding-DNA position 158, C replaced by G.
Protein change: p.Ala53Gly; replaces alanine 53 with glycine.
Molecular consequence: missense variant.
Genome position (GRCh38, 1-based): chr17:46,171,986, G>C on the plus strand (C>G on the coding strand, the complement: KANSL1 is on the minus strand). VCF-style: chr17-46171986-G-C. GRCh37 (hg19) VCF-style: chr17-44249352-G-C.
Other names: p.A53G:GCC>GGC; c.158C>G, p.Ala53Gly (NM_001193465.2, NM_001193466.2, NM_001379198.1); short protein forms A53G.
Identifiers: ClinVar variation 205804 (VCV000205804.2), dbSNP rs796052599, ClinGen allele CA315235.
Genomic context (GRCh38, chr17:46,171,986, plus strand): 5'-CCCAAGTCTTCCTTGGTAGGATTATTTCGGAAATCTAGGCTGGGATCCTCTGCAGCAATG[G>C]CTTTTCTTTTGGTTCCGTTGGCAGCAATAAGGATGTTGGCGTTGCCGTTATTTTCGGCAC-3'
Protein context (NP_056258.1, residues 43-63): LIAANGTKRK[Ala53Gly]IAAEDPSLDF

ClinVar aggregate classification (germline): Uncertain significance (1 of 4 stars; one submission).

Submission:

GeneDx
Classification: Uncertain significance. Last evaluated: 2013-11-26. Review status: criteria provided, single submitter. Criteria: GeneDx Variant Classification (06012015). Collection method: clinical testing. Allele origin: germline. Affected: yes.
Comment: This variant is denoted p.Ala53Gly (GCC>GGC): c.158 C>G in exon 2 of the KANSL1 gene (NM_001193466.1). The Ala53Gly missense change in the KANSL1 gene has not been published as a mutation, nor has it been reported as a benign polymorphism to our knowledge. It was not observed in approximately 6,500 individuals of European and African American ancestry in the NHLBI Exome Sequencing Project, indicating it is not a common benign variant in these populations. This variant is a conservative substitution of one uncharged, non-polar amino acid for another at a position that is conserved across species. In silico analysis is inconsistent with regard to the effect this variant may have on the protein structure/function. Therefore, based on the currently available information, it is unclear whether Ala53Gly is a disease-causing mutation or a rare benign variant The variant is found in EPILEPSY panel(s).